The following is an entry in ClinVar:

ClinVar aggregate classification (germline): Pathogenic (1 of 4 stars; one submission).

Submission:

Labcorp Genetics (formerly Invitae), Labcorp
Classification: Pathogenic. Last evaluated: 2022-03-03. Review status: criteria provided, single submitter. Criteria: Invitae Variant Classification Sherloc (09022015). Collection method: clinical testing. Allele origin: germline.
Comment: Algorithms developed to predict the effect of sequence changes on RNA splicing suggest that this variant may disrupt the consensus splice site. For these reasons, this variant has been classified as Pathogenic. This premature translational stop signal has been observed in individual(s) with clinical features of coenzyme Q10 deficiency (PMID: 30232548). This variant is not present in population databases (gnomAD no frequency). This sequence change creates a premature translational stop signal (p.Leu269Trpfs*13) in the COQ6 gene. It is expected to result in an absent or disrupted protein product. Loss-of-function variants in COQ6 are known to be pathogenic (PMID: 21540551, 24140869).

Literature cited by the submitters: PubMed 30232548; PubMed 21540551; PubMed 24140869.

NM_182476.3(COQ6):c.804del (p.Leu269fs)

Genes: COQ6 (coenzyme Q6, monooxygenase; plus strand), ENTPD5 (ectonucleoside triphosphate diphosphohydrolase 5; minus strand). Cytogenetic location: 14q24.3.
Variant type: Deletion.
Coding change: c.804del on transcript NM_182476.3 (MANE Select); coding-DNA position 804, one base deleted (C; older notation c.804delC).
Protein change: p.Leu269fs; shifts the reading frame from leucine 269.
Molecular consequence: frameshift variant. On other transcripts: 3 prime UTR variant (3), intron variant (4).
Genome position (GRCh38, 1-based): chr14:73,959,435, C deleted; the last of 2 consecutive C bases (chr14:73,959,434-73,959,435); deleting either gives the same sequence. VCF-style (leftmost placement, unchanged base first): chr14-73959433-TC-T. GRCh37 (hg19) VCF-style: chr14-74426136-TC-T.
Other names: c.804del, p.Leu269fs (NM_001425255.1); c.639del, p.Leu214fs (NM_001425257.1); c.579del, p.Leu194fs (NM_001425259.1, NM_001425260.1, NM_001425261.1); c.549del, p.Leu184fs (NM_001425262.1); c.477del, p.Leu160fs (NM_001425263.1); c.264del, p.Leu89fs (NM_001425264.1, NM_001425265.1); c.729del, p.Leu244fs (NM_182480.3); c.*96del (NM_001330189.2, NM_001382259.1, NM_001382260.1); and 4 more; short protein forms L244fs, L269fs, L160fs, L184fs, L194fs, L214fs, L89fs.
Identifiers: ClinVar variation 1388038 (VCV001388038.9), dbSNP rs2140404355, ClinGen allele CA2573150138.
Genomic context (GRCh38, chr14:73,959,433, plus strand): 5'-AGCAGAGTCTTAGCCGTTGGTATTGGTGTTCTTTTGACACAGCTCTCAGACACCTTGAGT[TC>T]CTTGGTTTGGTCCACGTCCCATGAACATGCAGCAGAGCTAGTTAGCATGGATGAGGAAAA-3'